The following is an entry in ClinVar:

NM_004380.3(CREBBP):c.7041C>T (p.Ala2347=)

Gene: CREBBP (CREB binding lysine acetyltransferase; minus strand). Cytogenetic location: 16p13.3.
Variant type: single nucleotide variant.
Coding change: c.7041C>T on transcript NM_004380.3 (MANE Select); coding-DNA position 7041, C replaced by T.
Protein change: p.Ala2347=; no amino-acid change (alanine 2347 retained).
Molecular consequence: synonymous variant.
Genome position (GRCh38, 1-based): chr16:3,728,006, G>A on the plus strand (C>T on the coding strand, the complement: CREBBP is on the minus strand). VCF-style: chr16-3728006-G-A. GRCh37 (hg19) VCF-style: chr16-3778007-G-A.
Other names: c.7041C>T (NM_004380.2); c.6927C>T, p.Ala2309= (NM_001079846.1).
Identifiers: ClinVar variation 1954025 (VCV001954025.6), dbSNP rs760644241, ClinGen allele CA7868959.
Genomic context (GRCh38, chr16:3,728,006, plus strand): 5'-TATCCGTGGTGACGGGCTGGAATGTGGAGGCTGGGACTGGGGCCGTGGAGACTGGACAGG[G>A]GCTGGAGACCGCACCTGGTTACTAAGGGACGTGGCGATCTGCTGGCCAGGGAGATGCGAG-3'
Protein context (NP_004371.2, residues 2337-2357): TSLSNQVRSP[Ala2347=]PVQSPRPQSQ

ClinVar aggregate classification (germline): Likely benign. Review status: criteria provided, multiple submitters, no conflicts (2 of 4 stars). 2 submissions from 2 submitters: Likely benign (2). Last evaluated 2026-06-30.

Conditions:
Rubinstein-Taybi syndrome (RSTS). Identifiers: Orphanet 783, MedGen C0035934, MONDO:0019188.
CREBBP-related disorder. Also called: CREBBP-related disorders; CREBBP-related condition.

Allele frequency attached by ClinVar (database versions not stated): ExAC 0.00001; gnomAD 0.00001; TOPMed 0.00001; gnomAD exomes 0.00003.
gnomAD v4.1: 43 of 1,610,812 alleles (0.0027%); highest among the groups gnomAD compares: Non-Finnish European, 0.0037%; no homozygotes.

Submissions (2):

PreventionGenetics, part of Exact Sciences
Classification: Likely benign for CREBBP-related condition. Last evaluated: 2026-06-30. Review status: criteria provided, single submitter. Criteria: ACMG Guidelines, 2015. Collection method: clinical testing. Allele origin: germline.
Comment: This variant is classified as likely benign based on ACMG/AMP sequence variant interpretation guidelines (Richards et al. 2015 PMID: 25741868, with internal and published modifications).

Labcorp Genetics (formerly Invitae), Labcorp
Classification: Likely benign for Rubinstein-Taybi syndrome. Last evaluated: 2023-07-03. Review status: criteria provided, single submitter. Criteria: Invitae Variant Classification Sherloc (09022015). Collection method: clinical testing. Allele origin: germline.